The following is an entry in ClinVar:

ClinVar aggregate classification (germline): Uncertain significance. Review status: criteria provided, multiple submitters, no conflicts (2 of 4 stars). 2 submissions from 2 submitters: Uncertain significance (2). Last evaluated 2026-07-06.

Conditions:
Hereditary cancer-predisposing syndrome. Also called: Hereditary Cancer Syndrome; Hereditary neoplastic syndrome; Neoplastic Syndromes, Hereditary; Tumor predisposition. Identifiers: Orphanet 140162, MedGen C0027672, MeSH D009386, MONDO:0015356.
Familial adenomatous polyposis 1 (FAP1). Also called: FAMILIAL ADENOMATOUS POLYPOSIS 1, ATTENUATED; POLYPOSIS, ADENOMATOUS INTESTINAL. Identifiers: MedGen C2713442, MONDO:0021056, OMIM 175100. Disease mechanism: loss of function.

Submissions (2):

Ambry Genetics
Classification: Uncertain significance for Hereditary cancer-predisposing syndrome. Last evaluated: 2026-07-06. Review status: criteria provided, single submitter. Criteria: Ambry Variant Classification Scheme 2023. Collection method: clinical testing. Allele origin: germline.
Comment: The p.Q260H variant (also known as c.780G>T), located in coding exon 7 of the APC gene, results from a G to T substitution at nucleotide position 780. The glutamine at codon 260 is replaced by histidine, an amino acid with highly similar properties. This amino acid position is conserved. In addition, in silico predictors for this gene do not accurately predict pathogenicity. Based on the available evidence, the clinical significance of this variant remains unclear.

Labcorp Genetics (formerly Invitae), Labcorp
Classification: Uncertain significance for Familial adenomatous polyposis 1. Last evaluated: 2025-12-10. Review status: criteria provided, single submitter. Criteria: Invitae Variant Classification Sherloc (09022015). Collection method: clinical testing. Allele origin: germline.
Comment: This sequence change replaces glutamine, which is neutral and polar, with histidine, which is basic and polar, at codon 260 of the APC protein (p.Gln260His). This variant is not present in population databases (gnomAD no frequency). This variant has not been reported in the literature in individuals affected with APC-related conditions. Invitae Evidence Modeling of protein sequence and biophysical properties (such as structural, functional, and spatial information, amino acid conservation, physicochemical variation, residue mobility, and thermodynamic stability) indicates that this missense variant is not expected to disrupt APC protein function with a negative predictive value of 95%. In summary, the available evidence is currently insufficient to determine the role of this variant in disease. Therefore, it has been classified as a Variant of Uncertain Significance.

NM_000038.6(APC):c.780G>T (p.Gln260His)

Gene: APC (APC regulator of Wnt signaling pathway; plus strand). Cytogenetic location: 5q22.2.
Variant type: single nucleotide variant.
Coding change: c.780G>T on transcript NM_000038.6 (MANE Select); coding-DNA position 780, G replaced by T.
Protein change: p.Gln260His; replaces glutamine 260 with histidine.
Molecular consequence: missense variant. On other transcripts: 5 prime UTR variant (4), non-coding transcript variant (2).
Genome position (GRCh38, 1-based): chr5:112,801,329, G>T. VCF-style: chr5-112801329-G-T. GRCh37 (hg19) VCF-style: chr5-112137026-G-T.
Other names: c.780G>T, p.Gln260His (NM_001407456.1, NM_001407457.1, NM_001407458.1 and 12 more transcripts); c.696G>T, p.Gln232His (NM_001407467.1, NM_001407469.1, NM_001354899.2 and 1 more transcripts); c.-256G>T (NM_001407470.1, NM_001407471.1, NM_001407472.1 and 1 more transcripts); c.726G>T, p.Gln242His (NM_001127511.3); c.810G>T, p.Gln270His (NM_001354897.2, NM_001354902.2, NM_001407446.1); c.705G>T, p.Gln235His (NM_001354898.2, NM_001354904.2, NM_001407451.1); c.603G>T, p.Gln201His (NM_001354900.2, NM_001354901.2, NM_001354905.2 and 1 more transcripts); c.780G>T (NM_000038.5); short protein forms Q201H, Q232H, Q235H, Q242H, Q260H, Q270H.
Identifiers: ClinVar variation 4801440 (VCV004801440.2).